The following is an entry in ClinVar:

NM_004822.3(NTN1):c.1815G>A (p.Ter605=)

Gene: NTN1 (netrin 1; plus strand). Cytogenetic location: 17p13.1.
Variant type: single nucleotide variant.
Coding change: c.1815G>A on transcript NM_004822.3 (MANE Select); coding-DNA position 1815, G replaced by A.
Protein change: p.Ter605=.
Molecular consequence: synonymous variant.
Genome position (GRCh38, 1-based): chr17:9,239,968, G>A. VCF-style: chr17-9239968-G-A. GRCh37 (hg19) VCF-style: chr17-9143285-G-A.
Identifiers: ClinVar variation 3030236 (VCV003030236.2), dbSNP rs2508093385, ClinGen allele CA497895466.

ClinVar aggregate classification (germline): Likely benign (0 of 4 stars; one submission).

Conditions:
NTN1-related disorder. Also called: NTN1-related condition.

Allele frequency attached by ClinVar (database versions not stated): gnomAD exomes below 0.00001.
gnomAD v4.1: 1 of 937,098 alleles (0.00011%); highest among the groups gnomAD compares: Non-Finnish European, 0.00014%; no homozygotes.

Submission:

PreventionGenetics, part of Exact Sciences
Classification: Likely benign for NTN1-related condition. Last evaluated: 2021-02-22. Review status: no assertion criteria provided. Collection method: clinical testing. Allele origin: germline.
Comment: This variant is classified as likely benign based on ACMG/AMP sequence variant interpretation guidelines (Richards et al. 2015 PMID: 25741868, with internal and published modifications).